The following is an entry in ClinVar:

NM_021252.5(RAB18):c.452G>A (p.Ser151Asn)

Gene: RAB18 (RAB18, member RAS oncogene family; plus strand). Cytogenetic location: 10p12.1.
Variant type: single nucleotide variant.
Coding change: c.452G>A on transcript NM_021252.5 (MANE Select); coding-DNA position 452, G replaced by A.
Protein change: p.Ser151Asn; replaces serine 151 with asparagine.
Molecular consequence: missense variant. On other transcripts: non-coding transcript variant (1).
Genome position (GRCh38, 1-based): chr10:27,537,882, G>A. VCF-style: chr10-27537882-G-A. GRCh37 (hg19) VCF-style: chr10-27826811-G-A.
Other names: c.539G>A, p.Ser180Asn (NM_001256410.2); c.385G>A, p.Val129Met (NM_001256411.2); c.260G>A, p.Ser87Asn (NM_001256412.2); short protein forms S151N, S180N, S87N, V129M.
Identifiers: ClinVar variation 1336855 (VCV001336855.5), dbSNP rs1834932554, ClinGen allele CA376385533.
Genomic context (GRCh38, chr10:27,537,882, plus strand): 5'-AGAATATGGCCAGAAAGGAATATACTATGAATGACCTTTTTCCTTGAATTTCAGAGGCAA[G>A]TGCAAAAACCTGTGATGGTGTACAATGTGCCTTTGAAGAACTTGTTGAAAAGATCATTCA-3'
Protein context (NP_067075.1, residues 141-161): RKHSMLFIEA[Ser151Asn]AKTCDGVQCA

ClinVar aggregate classification (germline): Uncertain significance. Review status: criteria provided, multiple submitters, no conflicts (2 of 4 stars). 2 submissions from 2 submitters: Uncertain significance (2). Last evaluated 2023-03-24.

Submissions (2):

GeneDx
Classification: Uncertain significance. Last evaluated: 2023-03-24. Review status: criteria provided, single submitter. Criteria: GeneDx Variant Classification Process June 2021. Collection method: clinical testing. Allele origin: germline. Affected: yes.
Comment: Not observed at significant frequency in large population cohorts (gnomAD); In silico analysis supports that this missense variant has a deleterious effect on protein structure/function; Has not been previously published as pathogenic or benign to our knowledge

Genetic Services Laboratory, University of Chicago
Classification: Uncertain significance. Last evaluated: 2018-08-31. Review status: criteria provided, single submitter. Criteria: ACMG Guidelines, 2015. Collection method: clinical testing. Allele origin: germline. Affected: no.